The following is an entry in ClinVar:

NM_001080467.3(MYO5B):c.1239C>T (p.Phe413=)

Gene: MYO5B (myosin VB; minus strand). Cytogenetic location: 18q21.1.
Variant type: single nucleotide variant.
Coding change: c.1239C>T on transcript NM_001080467.3 (MANE Select); coding-DNA position 1239, C replaced by T.
Protein change: p.Phe413=; no amino-acid change (phenylalanine 413 retained).
Molecular consequence: synonymous variant.
Genome position (GRCh38, 1-based): chr18:49,974,433, G>A on the plus strand (C>T on the coding strand, the complement: MYO5B is on the minus strand). VCF-style: chr18-49974433-G-A. GRCh37 (hg19) VCF-style: chr18-47500803-G-A.
Identifiers: ClinVar variation 797725 (VCV000797725.9), dbSNP rs753513339, ClinGen allele CA8961601.

ClinVar aggregate classification (germline): Likely benign. Review status: criteria provided, single submitter (1 of 4 stars). 2 submissions from 2 submitters: Likely benign (1). 1 of the submissions does not count toward it. Last evaluated 2025-01-06.

Conditions:
MYO5B-related disorder. Also called: MYO5B-related condition.

Allele frequency attached by ClinVar (database versions not stated): gnomAD exomes 0.00001 and 0.00002; ExAC 0.00002; gnomAD 0.00006; TOPMed 0.00008.
gnomAD v4.1: 31 of 1,614,026 alleles (0.0019%); highest among the groups gnomAD compares: African/African-American, 0.02%; no homozygotes.

Submissions (2):

Labcorp Genetics (formerly Invitae), Labcorp
Classification: Likely benign. Last evaluated: 2025-01-06. Review status: criteria provided, single submitter. Criteria: Invitae Variant Classification Sherloc (09022015). Collection method: clinical testing. Allele origin: germline.

PreventionGenetics, part of Exact Sciences
Classification: Likely benign for MYO5B-related condition. Last evaluated: 2020-02-19. Review status: no assertion criteria provided. Collection method: clinical testing. Allele origin: germline. Not counted in ClinVar's aggregate classification.
Comment: This variant is classified as likely benign based on ACMG/AMP sequence variant interpretation guidelines (Richards et al. 2015 PMID: 25741868, with internal and published modifications).